The following is an entry in ClinVar:

ClinVar aggregate classification (germline): Uncertain significance. Review status: criteria provided, multiple submitters, no conflicts (2 of 4 stars). 2 submissions from 2 submitters: Uncertain significance (2). Last evaluated 2025-03-04.

Conditions:
Hereditary cancer-predisposing syndrome. Also called: Neoplastic Syndromes, Hereditary; Tumor predisposition; Hereditary Cancer Syndrome; Hereditary neoplastic syndrome. Identifiers: Orphanet 140162, MedGen C0027672, MeSH D009386, MONDO:0015356.

Submissions (2):

Center for Genomic Medicine, Rigshospitalet, Copenhagen University Hospital
Classification: Uncertain significance. Last evaluated: 2025-03-04. Review status: criteria provided, single submitter. Criteria: ACMG Guidelines, 2015. Collection method: clinical testing. Allele origin: germline.

Ambry Genetics
Classification: Uncertain significance for Hereditary cancer-predisposing syndrome. Last evaluated: 2024-11-16. Review status: criteria provided, single submitter. Criteria: Ambry Variant Classification Scheme 2023. Collection method: clinical testing. Allele origin: germline.
Comment: The p.P158L variant (also known as c.473C>T), located in coding exon 4 of the POLD1 gene, results from a C to T substitution at nucleotide position 473. The proline at codon 158 is replaced by leucine, an amino acid with similar properties. This amino acid position is conserved. In addition, this alteration is predicted to be tolerated by in silico analysis. Based on the available evidence, the clinical significance of this variant remains unclear.

NM_002691.4(POLD1):c.473C>T (p.Pro158Leu)

Gene: POLD1 (DNA polymerase delta 1, catalytic subunit; plus strand). Cytogenetic location: 19q13.33.
Variant type: single nucleotide variant.
Coding change: c.473C>T on transcript NM_002691.4 (MANE Select); coding-DNA position 473, C replaced by T.
Protein change: p.Pro158Leu; replaces proline 158 with leucine.
Molecular consequence: missense variant. On other transcripts: non-coding transcript variant (1).
Genome position (GRCh38, 1-based): chr19:50,402,008, C>T. VCF-style: chr19-50402008-C-T. GRCh37 (hg19) VCF-style: chr19-50905265-C-T.
Other names: c.473C>T, p.Pro158Leu (NM_001256849.1, NM_001308632.1); short protein forms P158L.
Identifiers: ClinVar variation 3422009 (VCV003422009.2).